The following is an entry in ClinVar:

NM_002615.7(SERPINF1):c.812G>C (p.Ser271Thr)

Gene: SERPINF1 (serpin family F member 1; plus strand). Cytogenetic location: 17p13.3.
Variant type: single nucleotide variant.
Coding change: c.812G>C on transcript NM_002615.7 (MANE Select); coding-DNA position 812, G replaced by C.
Protein change: p.Ser271Thr; replaces serine 271 with threonine.
Molecular consequence: missense variant.
Genome position (GRCh38, 1-based): chr17:1,776,557, G>C. VCF-style: chr17-1776557-G-C. GRCh37 (hg19) VCF-style: chr17-1679851-G-C.
Other names: p.Ser271Thr; c.812G>C, p.Ser271Thr (NM_001329903.2); c.251G>C, p.Ser84Thr (NM_001329904.2, NM_001329905.2); short protein forms S271T, S84T.
Identifiers: ClinVar variation 2476891 (VCV002476891.5), dbSNP rs755633226, ClinGen allele CA8274869.

ClinVar aggregate classification (germline): Uncertain significance. Review status: criteria provided, multiple submitters, no conflicts (2 of 4 stars). 3 submissions from 3 submitters: Uncertain significance (3). Last evaluated 2025-10-08.

Conditions:
Inborn genetic diseases. Identifiers: MedGen C0950123, MeSH D030342.

Allele frequency attached by ClinVar (database versions not stated): gnomAD exomes below 0.00001; ExAC 0.00001; TOPMed 0.00002; gnomAD 0.00003.
gnomAD v4.1: 7 of 1,613,934 alleles (0.00043%); highest among the groups gnomAD compares: Non-Finnish European, 0.00059%; no homozygotes.

Submissions (3):

Labcorp Genetics (formerly Invitae), Labcorp
Classification: Uncertain significance. Last evaluated: 2025-10-08. Review status: criteria provided, single submitter. Criteria: Invitae Variant Classification Sherloc (09022015). Collection method: clinical testing. Allele origin: germline.
Comment: This sequence change replaces serine, which is neutral and polar, with threonine, which is neutral and polar, at codon 271 of the SERPINF1 protein (p.Ser271Thr). This variant is present in population databases (rs755633226, gnomAD 0.002%). This variant has not been reported in the literature in individuals affected with SERPINF1-related conditions. ClinVar contains an entry for this variant (Variation ID: 2476891). Invitae Evidence Modeling of protein sequence and biophysical properties (such as structural, functional, and spatial information, amino acid conservation, physicochemical variation, residue mobility, and thermodynamic stability) indicates that this missense variant is not expected to disrupt SERPINF1 protein function with a negative predictive value of 80%. In summary, the available evidence is currently insufficient to determine the role of this variant in disease. Therefore, it has been classified as a Variant of Uncertain Significance.

Ambry Genetics
Classification: Uncertain significance for Inborn genetic diseases. Last evaluated: 2025-09-09. Review status: criteria provided, single submitter. Criteria: Ambry Variant Classification Scheme 2023. Collection method: clinical testing. Allele origin: germline.

Mayo Clinic Laboratories, Mayo Clinic
Classification: Uncertain significance. Last evaluated: 2023-07-25. Review status: criteria provided, single submitter. Criteria: ACMG Guidelines, 2015. Collection method: clinical testing. Allele origin: germline. Observed: 1 variant allele.
Comment: BP4